The following is an entry in ClinVar:

NM_024494.3(WNT2B):c.1088G>A (p.Cys363Tyr)

Genes: WNT2B (Wnt family member 2B; plus strand), ST7L (suppression of tumorigenicity 7 like; minus strand). Cytogenetic location: 1p13.2.
Variant type: single nucleotide variant.
Coding change: c.1088G>A on transcript NM_024494.3 (MANE Select); coding-DNA position 1088, G replaced by A.
Protein change: p.Cys363Tyr; replaces cysteine 363 with tyrosine.
Molecular consequence: missense variant.
Genome position (GRCh38, 1-based): chr1:112,520,421, G>A. VCF-style: chr1-112520421-G-A. GRCh37 (hg19) VCF-style: chr1-113063043-G-A.
Other names: c.812G>A, p.Cys271Tyr (NM_001291880.1); c.1031G>A, p.Cys344Tyr (NM_004185.4); short protein forms C363Y, C271Y, C344Y.
Identifiers: ClinVar variation 3677753 (VCV003677753.2).

ClinVar aggregate classification (germline): Uncertain significance (1 of 4 stars; one submission).

gnomAD v4.1: 1 of 1,614,202 alleles (0.000062%); highest among the groups gnomAD compares: Non-Finnish European, 0.000085%; no homozygotes.

Submission:

Labcorp Genetics (formerly Invitae), Labcorp
Classification: Uncertain significance. Last evaluated: 2024-09-15. Review status: criteria provided, single submitter. Criteria: Invitae Variant Classification Sherloc (09022015). Collection method: clinical testing. Allele origin: germline.
Comment: This sequence change replaces cysteine, which is neutral and slightly polar, with tyrosine, which is neutral and polar, at codon 363 of the WNT2B protein (p.Cys363Tyr). This variant is not present in population databases (gnomAD no frequency). This variant has not been reported in the literature in individuals affected with WNT2B-related conditions. An algorithm developed to predict the effect of missense changes on protein structure and function (PolyPhen-2) suggests that this variant is likely to be disruptive. In summary, the available evidence is currently insufficient to determine the role of this variant in disease. Therefore, it has been classified as a Variant of Uncertain Significance.